The following is an entry in ClinVar:

NM_005751.5(AKAP9):c.5593A>G (p.Ser1865Gly)

Gene: AKAP9 (A-kinase anchoring protein 9; plus strand). Cytogenetic location: 7q21.2.
Variant type: single nucleotide variant.
Coding change: c.5593A>G on transcript NM_005751.5 (MANE Select); coding-DNA position 5593, A replaced by G.
Protein change: p.Ser1865Gly; replaces serine 1865 with glycine.
Molecular consequence: missense variant.
Genome position (GRCh38, 1-based): chr7:92,052,950, A>G. VCF-style: chr7-92052950-A-G. GRCh37 (hg19) VCF-style: chr7-91682264-A-G.
Other names: c.5593A>G, p.Ser1865Gly (NM_147185.3); short protein forms S1865G.
Identifiers: ClinVar variation 2033843 (VCV002033843.5), dbSNP rs1478936254, ClinGen allele CA368131404.
Genomic context (GRCh38, chr7:92,052,950, plus strand): 5'-AACATTAGCTCTCGACTACAAGCAGCAGTTGAAAAACTCCTAGAAGCCATAAGTGAAACT[A>G]GCAGTCAGGTAACCTCCTTATATTGCTAATATGTACTGAGTTTGAAGTACAATATACTAT-3'
Protein context (NP_005742.4, residues 1855-1875): EKLLEAISET[Ser1865Gly]SQLEHAKVTQ

ClinVar aggregate classification (germline): Uncertain significance. Review status: criteria provided, multiple submitters, no conflicts (2 of 4 stars). 2 submissions from 2 submitters: Uncertain significance (2). Last evaluated 2026-05-17.

Conditions:
Cardiovascular phenotype. Identifiers: MedGen CN230736.
Long QT syndrome (LQTS). Identifiers: MedGen C0023976, MeSH D008133, MONDO:0002442. Disease mechanism: loss of function. Inheritance: Various modes of inheritance.

Allele frequency attached by ClinVar (database versions not stated): gnomAD exomes 0.00001.
gnomAD v4.1: 7 of 1,612,538 alleles (0.00043%); highest among the groups gnomAD compares: Non-Finnish European, 0.00059%; no homozygotes.

Submissions (2):

Ambry Genetics
Classification: Uncertain significance for Cardiovascular phenotype. Last evaluated: 2026-05-17. Review status: criteria provided, single submitter. Criteria: Ambry Variant Classification Scheme 2023. Collection method: clinical testing. Allele origin: germline.
Comment: The p.S1865G variant (also known as c.5593A>G), located in coding exon 22 of the AKAP9 gene, results from an A to G substitution at nucleotide position 5593. The serine at codon 1865 is replaced by glycine, an amino acid with similar properties. This amino acid position is conserved. In addition, this alteration is predicted to be tolerated by in silico analysis. Based on the available evidence, the clinical significance of this variant remains unclear.

Labcorp Genetics (formerly Invitae), Labcorp
Classification: Uncertain significance for Long QT syndrome. Last evaluated: 2021-12-23. Review status: criteria provided, single submitter. Criteria: Invitae Variant Classification Sherloc (09022015). Collection method: clinical testing. Allele origin: germline.
Comment: This sequence change replaces serine, which is neutral and polar, with glycine, which is neutral and non-polar, at codon 1865 of the AKAP9 protein (p.Ser1865Gly). This variant is present in population databases (no rsID available, gnomAD 0.0009%). This variant has not been reported in the literature in individuals affected with AKAP9-related conditions. Algorithms developed to predict the effect of missense changes on protein structure and function are either unavailable or do not agree on the potential impact of this missense change (SIFT: "Tolerated"; PolyPhen-2: "Possibly Damaging"; Align-GVGD: "Class C0"). In summary, the available evidence is currently insufficient to determine the role of this variant in disease. Therefore, it has been classified as a Variant of Uncertain Significance.